The following is an entry in ClinVar:

ClinVar aggregate classification (germline): Uncertain significance (1 of 4 stars; one submission).

Conditions:
ALMS1-related disorder. Also called: ALMS1-related condition.

Submission:

PreventionGenetics, part of Exact Sciences
Classification: Uncertain significance for ALMS1-related condition. Last evaluated: 2025-03-20. Review status: criteria provided, single submitter. Criteria: ACMG Guidelines, 2015. Collection method: clinical testing. Allele origin: germline.
Comment: The ALMS1 c.6302A>G variant is predicted to result in the amino acid substitution p.Asn2101Ser. To our knowledge, this variant has not been reported in the literature. This variant is reported in 0.00089% of alleles in individuals of European (Non-Finnish) descent in gnomAD. At this time, the clinical significance of this variant is uncertain due to the absence of conclusive functional and genetic evidence.

NM_001378454.1(ALMS1):c.6299A>G (p.Lys2100Arg)

Gene: ALMS1 (ALMS1 centrosome and basal body associated protein; plus strand). Cytogenetic location: 2p13.1.
Variant type: single nucleotide variant.
Coding change: c.6299A>G on transcript NM_001378454.1 (MANE Select); coding-DNA position 6299, A replaced by G.
Protein change: p.Lys2100Arg; replaces lysine 2100 with arginine.
Molecular consequence: missense variant.
Genome position (GRCh38, 1-based): chr2:73,452,826, A>G. VCF-style: chr2-73452826-A-G. GRCh37 (hg19) VCF-style: chr2-73679953-A-G.
Other names: c.6302A>G, p.Lys2101Arg (NM_015120.4); short protein forms K2101R, K2100R.
Identifiers: ClinVar variation 5001758 (VCV005001758.1).
Genomic context (GRCh38, chr2:73,452,826, plus strand): 5'-TAACTGATGTGAATACTGGAAAACCAGTATCTCTCTCTAGTTCTTATTTTCACAGAGAGA[A>G]ATCGAATATTTTCAGTCCACAGGAATTGCCAGGTAGTCATGTAACTGAAGATGTGCTGAA-3'
Protein context (NP_001365383.1, residues 2090-2110): SLSSSYFHRE[Lys2100Arg]SNIFSPQELP